The following is an entry in ClinVar:

ClinVar aggregate classification (germline): Uncertain significance. Review status: criteria provided, multiple submitters, no conflicts (2 of 4 stars). 2 submissions from 2 submitters: Uncertain significance (2). Last evaluated 2022-05-27.

Conditions:
Glycogen storage disease IXb (GSD9B). Also called: GLYCOGENOSIS OF LIVER AND MUSCLE, AUTOSOMAL RECESSIVE; GSD IXb; PHOSPHORYLASE KINASE DEFICIENCY OF LIVER AND MUSCLE, AUTOSOMAL RECESSIVE. Identifiers: Orphanet 79240, MedGen C0543514, MONDO:0009868, OMIM 261750.

Allele frequency attached by ClinVar (database versions not stated): ExAC 0.00001.
gnomAD v4.1: 31 of 1,612,230 alleles (0.0019%); highest among the groups gnomAD compares: Non-Finnish European, 0.0026%; no homozygotes.

Submissions (2):

Labcorp Genetics (formerly Invitae), Labcorp
Classification: Uncertain significance for Glycogen storage disease IXb. Last evaluated: 2022-05-27. Review status: criteria provided, single submitter. Criteria: Invitae Variant Classification Sherloc (09022015). Collection method: clinical testing. Allele origin: germline.
Comment: This sequence change replaces aspartic acid, which is acidic and polar, with glycine, which is neutral and non-polar, at codon 107 of the PHKB protein (p.Asp107Gly). This variant is present in population databases (rs758324636, gnomAD 0.003%). This variant has not been reported in the literature in individuals affected with PHKB-related conditions. Algorithms developed to predict the effect of missense changes on protein structure and function are either unavailable or do not agree on the potential impact of this missense change (SIFT: "Deleterious"; PolyPhen-2: "Possibly Damaging"; Align-GVGD: "Class C0"). In summary, the available evidence is currently insufficient to determine the role of this variant in disease. Therefore, it has been classified as a Variant of Uncertain Significance.

Breakthrough Genomics
Classification: Uncertain significance. Review status: criteria provided, single submitter. Criteria: ACMG Guidelines, 2015. Collection method: not provided. Allele origin: germline. Inheritance: Autosomal recessive inheritance. Affected: yes.

NM_000293.3(PHKB):c.320A>G (p.Asp107Gly)

Gene: PHKB (phosphorylase kinase regulatory subunit beta; plus strand). Cytogenetic location: 16q12.1.
Variant type: single nucleotide variant.
Coding change: c.320A>G on transcript NM_000293.3 (MANE Select); coding-DNA position 320, A replaced by G.
Protein change: p.Asp107Gly; replaces aspartic acid 107 with glycine.
Molecular consequence: missense variant.
Genome position (GRCh38, 1-based): chr16:47,503,005, A>G. VCF-style: chr16-47503005-A-G. GRCh37 (hg19) VCF-style: chr16-47536916-A-G.
Other names: c.299A>G, p.Asp100Gly (NM_001031835.3); c.320A>G, p.Asp107Gly (NM_001363837.1); short protein forms D100G, D107G.
Identifiers: ClinVar variation 2160208 (VCV002160208.2), dbSNP rs758324636, ClinGen allele CA8040448.
Genomic context (GRCh38, chr16:47,503,005, plus strand): 5'-TCAAATGCATTTCCAATTAGTTTCATGAGTTATCTCTCTCACCCAGGCGAATTGATGATG[A>G]CAAGGGAAGGACCCATGAGCTGGAGCACTCAGCTATAAAATGCATGAGAGGAATTCTCTA-3'
Protein context (NP_000284.1, residues 97-117): LALAYRRIDD[Asp107Gly]KGRTHELEHS